The following is an entry in ClinVar:

NM_004606.5(TAF1):c.365A>T (p.Asp122Val)

Gene: TAF1 (TATA-box binding protein associated factor 1; plus strand). Cytogenetic location: Xq13.1.
Variant type: single nucleotide variant.
Coding change: c.365A>T on transcript NM_004606.5 (MANE Select); coding-DNA position 365, A replaced by T.
Protein change: p.Asp122Val; replaces aspartic acid 122 with valine.
Molecular consequence: missense variant. On other transcripts: non-coding transcript variant (9).
Genome position (GRCh38, 1-based): chrX:71,375,179, A>T. VCF-style: chrX-71375179-A-T. GRCh37 (hg19) VCF-style: chrX-70595029-A-T.
Other names: c.365A>T, p.Asp122Val (NM_001286074.2, NM_138923.4); short protein forms D122V.
Identifiers: ClinVar variation 452936 (VCV000452936.4), dbSNP rs1555963601, ClinGen allele CA413503372.
Genomic context (GRCh38, chrX:71,375,179, plus strand): 5'-TGTATAATATTTTGGATATTGAGGAGATCACCTTCTTGGTTTTATTAGATTATGATGAAG[A>T]TGACTATGATGCTGATTGTGAAGACATTGATTGCAAGTTGATGCCTCCTCCACCTCCACC-3'
Protein context (NP_004597.3, residues 112-132): QPLCHSDYDE[Asp122Val]DYDADCEDID

ClinVar aggregate classification (germline): Likely benign (1 of 4 stars; one submission).

Allele frequency attached by ClinVar (database versions not stated): gnomAD exomes below 0.00001.
gnomAD v4.1: 1 of 1,209,535 alleles (0.000083%); highest among the groups gnomAD compares: South Asian, 0.0018%; no homozygotes.

Submission:

GeneDx
Classification: Likely benign. Last evaluated: 2021-07-19. Review status: criteria provided, single submitter. Criteria: GeneDx Variant Classification Process June 2021. Collection method: clinical testing. Allele origin: germline. Affected: yes.
Comment: In silico analysis supports that this missense variant does not alter protein structure/function; Has not been previously published as pathogenic or benign to our knowledge; This variant is associated with the following publications: (PMID: 27535533)